The following is an entry in ClinVar:

NM_006017.3(PROM1):c.1210G>A (p.Asp404Asn)

Gene: PROM1 (prominin 1; minus strand). Cytogenetic location: 4p15.32.
Variant type: single nucleotide variant.
Coding change: c.1210G>A on transcript NM_006017.3 (MANE Select); coding-DNA position 1210, G replaced by A.
Protein change: p.Asp404Asn; replaces aspartic acid 404 with asparagine.
Molecular consequence: missense variant.
Genome position (GRCh38, 1-based): chr4:16,009,040, C>T on the plus strand (G>A on the coding strand, the complement: PROM1 is on the minus strand). VCF-style: chr4-16009040-C-T. GRCh37 (hg19) VCF-style: chr4-16010663-C-T.
Other names: c.1183G>A, p.Asp395Asn (NM_001145847.2, NM_001145848.2, NM_001145851.2 and 4 more transcripts); c.1210G>A, p.Asp404Asn (NM_001145849.2, NM_001145850.2); short protein forms D395N, D404N.
Identifiers: ClinVar variation 2064864 (VCV002064864.4), dbSNP rs1291197248, ClinGen allele CA356436918.

ClinVar aggregate classification (germline): Uncertain significance (1 of 4 stars; one submission).

Allele frequency attached by ClinVar (database versions not stated): gnomAD exomes below 0.00001; TOPMed below 0.00001; gnomAD 0.00001.
gnomAD v4.1: 5 of 1,605,728 alleles (0.00031%); highest among the groups gnomAD compares: Admixed American, 0.0083%; no homozygotes.

Submission:

Labcorp Genetics (formerly Invitae), Labcorp
Classification: Uncertain significance. Last evaluated: 2024-06-26. Review status: criteria provided, single submitter. Criteria: Invitae Variant Classification Sherloc (09022015). Collection method: clinical testing. Allele origin: germline.
Comment: This sequence change replaces aspartic acid, which is acidic and polar, with asparagine, which is neutral and polar, at codon 404 of the PROM1 protein (p.Asp404Asn). This variant is present in population databases (no rsID available, gnomAD 0.01%). This variant has not been reported in the literature in individuals affected with PROM1-related conditions. ClinVar contains an entry for this variant (Variation ID: 2064864). Advanced modeling of protein sequence and biophysical properties (such as structural, functional, and spatial information, amino acid conservation, physicochemical variation, residue mobility, and thermodynamic stability) performed at Invitae indicates that this missense variant is not expected to disrupt PROM1 protein function with a negative predictive value of 80%. In summary, the available evidence is currently insufficient to determine the role of this variant in disease. Therefore, it has been classified as a Variant of Uncertain Significance.